The following is an entry in ClinVar:

ClinVar aggregate classification (germline): Likely benign (0 of 4 stars; one submission).

Conditions:
SIM1-related disorder. Also called: SIM1-related condition; SIM1-related disorders.

gnomAD v4.1: 2 of 1,614,126 alleles (0.00012%); highest among the groups gnomAD compares: Non-Finnish European, 0.00017%; no homozygotes.

Submission:

PreventionGenetics, part of Exact Sciences
Classification: Likely benign for SIM1-related condition. Last evaluated: 2024-05-02. Review status: no assertion criteria provided. Collection method: clinical testing. Allele origin: germline.
Comment: This variant is classified as likely benign based on ACMG/AMP sequence variant interpretation guidelines (Richards et al. 2015 PMID: 25741868, with internal and published modifications).

NM_005068.3(SIM1):c.79C>T (p.Leu27=)

Gene: SIM1 (SIM bHLH transcription factor 1; minus strand). Cytogenetic location: 6q16.3.
Variant type: single nucleotide variant.
Coding change: c.79C>T on transcript NM_005068.3 (MANE Select); coding-DNA position 79, C replaced by T.
Protein change: p.Leu27=; no amino-acid change (leucine 27 retained).
Molecular consequence: synonymous variant.
Genome position (GRCh38, 1-based): chr6:100,463,390, G>A on the plus strand (C>T on the coding strand, the complement: SIM1 is on the minus strand). VCF-style: chr6-100463390-G-A. GRCh37 (hg19) VCF-style: chr6-100911266-G-A.
Other names: c.79C>T, p.Leu27= (NM_001374769.1).
Identifiers: ClinVar variation 3355345 (VCV003355345.1).